The following is an entry in ClinVar:

NM_001354604.2(MITF):c.1495C>T (p.Leu499Phe)

Gene: MITF (melanocyte inducing transcription factor; plus strand). Cytogenetic location: 3p13.
Variant type: single nucleotide variant.
Coding change: c.1495C>T on transcript NM_001354604.2 (MANE Select); coding-DNA position 1495, C replaced by T.
Protein change: p.Leu499Phe; replaces leucine 499 with phenylalanine.
Molecular consequence: missense variant.
Genome position (GRCh38, 1-based): chr3:69,965,162, C>T. VCF-style: chr3-69965162-C-T. GRCh37 (hg19) VCF-style: chr3-70014313-C-T.
Other names: c.1174C>T, p.Leu392Phe (NM_000248.4); c.1321C>T, p.Leu441Phe (NM_001184967.2, NM_001354608.2); c.1492C>T, p.Leu498Phe (NM_001354605.2); c.1474C>T, p.Leu492Phe (NM_001354606.2, NM_006722.3); c.1426C>T, p.Leu476Phe (NM_001354607.2); c.1156C>T, p.Leu386Phe (NM_198158.3); c.1477C>T, p.Leu493Phe (NM_198159.3); c.1429C>T, p.Leu477Phe (NM_198177.3); and 1 more; short protein forms L330F, L493F, L499F, L386F, L392F, L441F, L477F, L498F.
Identifiers: ClinVar variation 4055180 (VCV004055180.1).
Genomic context (GRCh38, chr3:69,965,162, plus strand): 5'-TCCAAACTGGAAGACATCCTGATGGACGACACCCTTTCTCCCGTCGGTGTCACTGATCCA[C>T]TCCTTTCCTCAGTGTCCCCCGGAGCTTCCAAAACAAGCAGCCGGAGGAGCAGTATGAGCA-3'
Protein context (NP_001341533.1, residues 489-509): TLSPVGVTDP[Leu499Phe]LSSVSPGASK

ClinVar aggregate classification (germline): Uncertain significance (1 of 4 stars; one submission).

Conditions:
Hereditary cancer-predisposing syndrome. Also called: Neoplastic Syndromes, Hereditary; Tumor predisposition; Hereditary neoplastic syndrome; Hereditary Cancer Syndrome. Identifiers: Orphanet 140162, MedGen C0027672, MeSH D009386, MONDO:0015356.

Submission:

Ambry Genetics
Classification: Uncertain significance for Hereditary cancer-predisposing syndrome. Last evaluated: 2025-04-01. Review status: criteria provided, single submitter. Criteria: Ambry Variant Classification Scheme 2023. Collection method: clinical testing. Allele origin: germline.
Comment: The p.L392F variant (also known as c.1174C>T), located in coding exon 9 of the MITF gene, results from a C to T substitution at nucleotide position 1174. The leucine at codon 392 is replaced by phenylalanine, an amino acid with highly similar properties. This amino acid position is conserved. In addition, the in silico prediction for this alteration is inconclusive. Based on the available evidence, the clinical significance of this variant remains unclear.